The following is an entry in ClinVar:

NM_006269.2(RP1):c.2342C>T (p.Ser781Leu)

Gene: RP1 (RP1 axonemal microtubule associated; plus strand). Cytogenetic location: 8q12.1.
Variant type: single nucleotide variant.
Coding change: c.2342C>T on transcript NM_006269.2 (MANE Select); coding-DNA position 2342, C replaced by T.
Protein change: p.Ser781Leu; replaces serine 781 with leucine.
Molecular consequence: missense variant. On other transcripts: intron variant (1).
Genome position (GRCh38, 1-based): chr8:54,626,224, C>T. VCF-style: chr8-54626224-C-T. GRCh37 (hg19) VCF-style: chr8-55538784-C-T.
Other names: c.787+3936C>T (NM_001375654.1); short protein forms S781L.
Identifiers: ClinVar variation 1721066 (VCV001721066.5), dbSNP rs1293654827, ClinGen allele CA370993483.

ClinVar aggregate classification (germline): Uncertain significance (1 of 4 stars; one submission).

Allele frequency attached by ClinVar (database versions not stated): TOPMed below 0.00001; gnomAD 0.00001.
gnomAD v4.1: 1 of 1,610,418 alleles (0.000062%); highest among the groups gnomAD compares: African/African-American, 0.0013%; no homozygotes.

Submission:

Labcorp Genetics (formerly Invitae), Labcorp
Classification: Uncertain significance. Last evaluated: 2022-07-20. Review status: criteria provided, single submitter. Criteria: Invitae Variant Classification Sherloc (09022015). Collection method: clinical testing. Allele origin: germline.
Comment: In summary, the available evidence is currently insufficient to determine the role of this variant in disease. Therefore, it has been classified as a Variant of Uncertain Significance. This sequence change replaces serine, which is neutral and polar, with leucine, which is neutral and non-polar, at codon 781 of the RP1 protein (p.Ser781Leu). This variant is not present in population databases (gnomAD no frequency). This variant has not been reported in the literature in individuals affected with RP1-related conditions. Algorithms developed to predict the effect of missense changes on protein structure and function are either unavailable or do not agree on the potential impact of this missense change (SIFT: "Deleterious"; PolyPhen-2: "Benign"; Align-GVGD: "Class C0").